The following is an entry in ClinVar:

NM_014956.5(CEP164):c.1783A>G (p.Met595Val)

Gene: CEP164 (centrosomal protein 164; plus strand). Cytogenetic location: 11q23.3.
Variant type: single nucleotide variant.
Coding change: c.1783A>G on transcript NM_014956.5 (MANE Select); coding-DNA position 1783, A replaced by G.
Protein change: p.Met595Val; replaces methionine 595 with valine.
Molecular consequence: missense variant.
Genome position (GRCh38, 1-based): chr11:117,387,261, A>G. VCF-style: chr11-117387261-A-G. GRCh37 (hg19) VCF-style: chr11-117257977-A-G.
Other names: c.1792A>G, p.Met598Val (NM_001271933.2); short protein forms M598V, M595V.
Identifiers: ClinVar variation 1929011 (VCV001929011.6), dbSNP rs775044441, ClinGen allele CA6294865.
Genomic context (GRCh38, chr11:117,387,261, plus strand): 5'-AGGCGATCCACAGAGCCTGTGGCTCCCCCAGAGCAGCTCTCAGAGGCTGCACTAAAGGCC[A>G]TGGAAGAGGCAGTGGCCCAAGTACTCGAGCAAGACCAGAGGCACCTGCTGGAATCCAAGC-3'
Protein context (NP_055771.4, residues 585-605): EQLSEAALKA[Met595Val]EEAVAQVLEQ

ClinVar aggregate classification (germline): Uncertain significance. Review status: criteria provided, multiple submitters, no conflicts (2 of 4 stars). 4 submissions from 4 submitters: Uncertain significance (4). Last evaluated 2026-05-22.

Conditions:
CEP164-related disorder. Also called: CEP164-related condition.
Nephronophthisis 15 (NPHP15). Identifiers: Orphanet 3156, MedGen C3541853, MONDO:0013917, OMIM 614845.
Inborn genetic diseases. Identifiers: MedGen C0950123, MeSH D030342.

Allele frequency attached by ClinVar (database versions not stated): TOPMed below 0.00001; gnomAD 0.00001; gnomAD exomes 0.00001; ExAC 0.00002.
gnomAD v4.1: 17 of 1,614,110 alleles (0.0011%); highest among the groups gnomAD compares: Non-Finnish European, 0.0014%; no homozygotes.

Submissions (4):

PreventionGenetics, part of Exact Sciences
Classification: Uncertain significance for CEP164-related condition. Last evaluated: 2026-05-22. Review status: criteria provided, single submitter. Criteria: ACMG Guidelines, 2015. Collection method: clinical testing. Allele origin: germline.
Comment: The CEP164 c.1783A>G variant is predicted to result in the amino acid substitution p.Met595Val. To our knowledge, this variant has not been reported in the literature. This variant is reported in 0.0026% of alleles in individuals of European (Non-Finnish) descent in gnomAD. At this time, the clinical significance of this variant is uncertain due to the absence of conclusive functional and genetic evidence.

Fulgent Genetics
Classification: Uncertain significance for Nephronophthisis 15. Last evaluated: 2024-03-29. Review status: criteria provided, single submitter. Criteria: ACMG Guidelines, 2015. Collection method: clinical testing. Allele origin: germline.

Labcorp Genetics (formerly Invitae), Labcorp
Classification: Uncertain significance for Nephronophthisis 15. Last evaluated: 2022-06-20. Review status: criteria provided, single submitter. Criteria: Invitae Variant Classification Sherloc (09022015). Collection method: clinical testing. Allele origin: germline.
Comment: In summary, the available evidence is currently insufficient to determine the role of this variant in disease. Therefore, it has been classified as a Variant of Uncertain Significance. Algorithms developed to predict the effect of missense changes on protein structure and function output the following: SIFT: "Tolerated"; PolyPhen-2: "Benign"; Align-GVGD: "Class C0". The valine amino acid residue is found in multiple mammalian species, which suggests that this missense change does not adversely affect protein function. This variant has not been reported in the literature in individuals affected with CEP164-related conditions. This variant is present in population databases (rs775044441, gnomAD 0.003%). This sequence change replaces methionine, which is neutral and non-polar, with valine, which is neutral and non-polar, at codon 595 of the CEP164 protein (p.Met595Val).

Ambry Genetics
Classification: Uncertain significance for Inborn genetic diseases. Last evaluated: 2021-10-06. Review status: criteria provided, single submitter. Criteria: Ambry Variant Classification Scheme 2023. Collection method: clinical testing. Allele origin: germline.